The following is an entry in ClinVar:

NM_000256.3(MYBPC3):c.1351G>C (p.Glu451Gln)

Gene: MYBPC3 (myosin binding protein C3; minus strand). Cytogenetic location: 11p11.2.
Variant type: single nucleotide variant.
Coding change: c.1351G>C on transcript NM_000256.3 (MANE Select); coding-DNA position 1351, G replaced by C.
Protein change: p.Glu451Gln; replaces glutamic acid 451 with glutamine.
Molecular consequence: missense variant.
Genome position (GRCh38, 1-based): chr11:47,343,021, C>G on the plus strand (G>C on the coding strand, the complement: MYBPC3 is on the minus strand). VCF-style: chr11-47343021-C-G. GRCh37 (hg19) VCF-style: chr11-47364572-C-G.
Other names: short protein forms E451Q.
Identifiers: ClinVar variation 959497 (VCV000959497.9), dbSNP rs786204338, ClinGen allele CA380326651.

ClinVar aggregate classification (germline): Pathogenic (1 of 4 stars; one submission).

Conditions:
Hypertrophic cardiomyopathy. Also called: HYPERTROPHIC MYOCARDIOPATHY. Identifiers: Orphanet 217569, MedGen C0007194, MeSH D002312, MONDO:0005045, HP:0001639.

Submission:

Labcorp Genetics (formerly Invitae), Labcorp
Classification: Pathogenic for Hypertrophic cardiomyopathy. Last evaluated: 2019-11-12. Review status: criteria provided, single submitter. Criteria: Invitae Variant Classification Sherloc (09022015). Collection method: clinical testing. Allele origin: germline.
Comment: For these reasons, this variant has been classified as Pathogenic. Nucleotide substitutions within the consensus splice site are a relatively common cause of aberrant splicing (PMID: 17576681, 9536098). Algorithms developed to predict the effect of sequence changes on RNA splicing suggest that this variant may disrupt the consensus splice site, but this prediction has not been confirmed by published transcriptional studies. Algorithms developed to predict the effect of missense changes on protein structure and function are either unavailable or do not agree on the potential impact of this missense change (SIFT: "Deleterious"; PolyPhen-2: "Benign"; Align-GVGD: "Class C25"). This variant has been observed in individual(s) with hypertrophic cardiomyopathy (PMID: 9562578, Invitae). It has also been observed to segregate with disease in related individuals. This variant is not present in population databases (ExAC no frequency). This sequence change replaces glutamic acid with glutamine at codon 451 of the MYBPC3 protein (p.Glu451Gln). The glutamic acid residue is highly conserved and there is a small physicochemical difference between glutamic acid and glutamine. This variant also falls at the last nucleotide of exon 15 of the MYBPC3 coding sequence, which is part of the consensus splice site for this exon.

Literature cited by the submitters: PubMed 17576681; PubMed 9536098; PubMed 9562578.